The following is an entry in ClinVar:

ClinVar aggregate classification (germline): Likely benign (1 of 4 stars; one submission).

Allele frequency attached by ClinVar (database versions not stated): 1000 Genomes Project 30x 0.00016; 1000 Genomes Project 0.00020; ExAC 0.00072.
gnomAD v4.1: 846 of 1,541,860 alleles (0.055%); highest among the groups gnomAD compares: Middle Eastern, 0.45%; 2 homozygotes.

Submission:

CeGaT Center for Human Genetics Tuebingen
Classification: Likely benign. Last evaluated: 2026-03-01. Review status: criteria provided, single submitter. Criteria: CeGaT Center For Human Genetics Tuebingen Variant Classification Criteria Version 2. Collection method: clinical testing. Allele origin: germline. Affected: yes. Observed: 4 variant alleles.
Comment: ANO1: BP4

NM_018043.7(ANO1):c.1426-6C>G

Gene: ANO1 (anoctamin 1; plus strand). Cytogenetic location: 11q13.3.
Variant type: single nucleotide variant.
Coding change: c.1426-6C>G on transcript NM_018043.7 (MANE Select); 6 bases into the intron before coding-DNA position 1426, C replaced by G.
Molecular consequence: intron variant.
Genome position (GRCh38, 1-based): chr11:70,155,905, C>G. VCF-style: chr11-70155905-C-G. GRCh37 (hg19) VCF-style: chr11-70002011-C-G.
Other names: c.1615-6C>G (NM_001378092.1); c.1414-6C>G (NM_001378093.1, NM_001378094.2); c.1492-1042C>G (NM_001378095.2); c.1414-1042C>G (NM_001378096.2); c.1327-1042C>G (NM_001378097.2).
Identifiers: ClinVar variation 2642051 (VCV002642051.24), dbSNP rs568010170, ClinGen allele CA6157787.
Genomic context (GRCh38, chr11:70,155,905, plus strand): 5'-CCCGCGGTCTGCGGTGCCGCCTCCCACTTCACCGCACGGTGCTCTCTTTCCCCCACCCCC[C>G]CTCAGAAGCGCCGGCATATTCCAGAGGAGTCAACAAACAAATGGAAGCAGAGGGTTAAGA-3'